The following is an entry in ClinVar:

ClinVar aggregate classification (germline): Uncertain significance. Review status: criteria provided, multiple submitters, no conflicts (2 of 4 stars). 2 submissions from 2 submitters: Uncertain significance (2). Last evaluated 2025-07-08.

Conditions:
Tuberous sclerosis 2 (TSC2). Identifiers: Orphanet 805, MedGen C1860707, MONDO:0013199, OMIM 613254.
Hereditary cancer-predisposing syndrome. Also called: Hereditary neoplastic syndrome; Tumor predisposition; Neoplastic Syndromes, Hereditary; Hereditary Cancer Syndrome. Identifiers: Orphanet 140162, MedGen C0027672, MeSH D009386, MONDO:0015356.

Allele frequency attached by ClinVar (database versions not stated): TOPMed below 0.00001.

Submissions (2):

Labcorp Genetics (formerly Invitae), Labcorp
Classification: Uncertain significance for Tuberous sclerosis 2. Last evaluated: 2025-07-08. Review status: criteria provided, single submitter. Criteria: Invitae Variant Classification Sherloc (09022015). Collection method: clinical testing. Allele origin: germline.
Comment: This sequence change replaces glutamic acid, which is acidic and polar, with aspartic acid, which is acidic and polar, at codon 1307 of the TSC2 protein (p.Glu1307Asp). This variant is not present in population databases (gnomAD no frequency). This variant has not been reported in the literature in individuals affected with TSC2-related conditions. ClinVar contains an entry for this variant (Variation ID: 2449957). Invitae Evidence Modeling of protein sequence and biophysical properties (such as structural, functional, and spatial information, amino acid conservation, physicochemical variation, residue mobility, and thermodynamic stability) indicates that this missense variant is not expected to disrupt TSC2 protein function with a negative predictive value of 95%. In summary, the available evidence is currently insufficient to determine the role of this variant in disease. Therefore, it has been classified as a Variant of Uncertain Significance.

Ambry Genetics
Classification: Uncertain significance for Hereditary cancer-predisposing syndrome. Last evaluated: 2022-11-19. Review status: criteria provided, single submitter. Criteria: Ambry Variant Classification Scheme 2023. Collection method: clinical testing. Allele origin: germline.
Comment: The p.E1307D variant (also known as c.3921G>C), located in coding exon 32 of the TSC2 gene, results from a G to C substitution at nucleotide position 3921. The glutamic acid at codon 1307 is replaced by aspartic acid, an amino acid with highly similar properties. This amino acid position is conserved. In addition, the in silico prediction for this alteration is inconclusive. Since supporting evidence is limited at this time, the clinical significance of this alteration remains unclear.

NM_000548.5(TSC2):c.3921G>C (p.Glu1307Asp)

Gene: TSC2 (TSC complex subunit 2; plus strand). Cytogenetic location: 16p13.3.
Variant type: single nucleotide variant.
Coding change: c.3921G>C on transcript NM_000548.5 (MANE Select); coding-DNA position 3921, G replaced by C.
Protein change: p.Glu1307Asp; replaces glutamic acid 1307 with aspartic acid.
Molecular consequence: missense variant. On other transcripts: non-coding transcript variant (5).
Genome position (GRCh38, 1-based): chr16:2,083,732, G>C. VCF-style: chr16-2083732-G-C. GRCh37 (hg19) VCF-style: chr16-2133733-G-C.
Other names: c.3720G>C, p.Glu1240Asp (NM_001077183.3); c.3852G>C, p.Glu1284Asp (NM_001114382.3); c.3612G>C, p.Glu1204Asp (NM_001318827.2); c.3576G>C, p.Glu1192Asp (NM_001318829.2); c.3189G>C, p.Glu1063Asp (NM_001318831.2); c.3753G>C, p.Glu1251Asp (NM_001318832.2); c.3723G>C, p.Glu1241Asp (NM_001363528.2); c.3789G>C, p.Glu1263Asp (NM_001370404.1); and 26 more; short protein forms E1041D, E1087D, E1107D, E1204D, E1237D, E1251D, E1270D, E1040D.
Identifiers: ClinVar variation 2449957 (VCV002449957.3), dbSNP rs2090421407, ClinGen allele CA394297144.